The following is an entry in ClinVar:

ClinVar aggregate classification (germline): Uncertain significance (1 of 4 stars; one submission).

Conditions:
Immunodeficiency 23 (IMD23). Also called: IMMUNODEFICIENCY WITH HYPER IgE AND COGNITIVE IMPAIRMENT; IMMUNODEFICIENCY-VASCULITIS-MYOCLONUS SYNDROME. Identifiers: Orphanet 443811, MedGen C4014371, MONDO:0014353, OMIM 615816.

Submission:

Labcorp Genetics (formerly Invitae), Labcorp
Classification: Uncertain significance for Immunodeficiency 23. Last evaluated: 2019-03-07. Review status: criteria provided, single submitter. Criteria: Invitae Variant Classification Sherloc (09022015). Collection method: clinical testing. Allele origin: germline.
Comment: Algorithms developed to predict the effect of missense changes on protein structure and function (SIFT, PolyPhen-2, Align-GVGD) all suggest that this variant is likely to be tolerated, but these predictions have not been confirmed by published functional studies and their clinical significance is uncertain. In summary, the available evidence is currently insufficient to determine the role of this variant in disease. Therefore, it has been classified as a Variant of Uncertain Significance. This variant has not been reported in the literature in individuals with PGM3-related conditions. This variant is not present in population databases (ExAC no frequency). This sequence change replaces glutamine with proline at codon 557 of the PGM3 protein (p.Gln557Pro). The glutamine residue is weakly conserved and there is a moderate physicochemical difference between glutamine and proline.

NM_015599.3(PGM3):c.1586A>C (p.Gln529Pro)

Genes: DOP1A (DOP1 leucine zipper like protein A; plus strand), PGM3 (phosphoglucomutase 3; minus strand). Cytogenetic location: 6q14.1.
Variant type: single nucleotide variant.
Coding change: c.1586A>C on transcript NM_015599.3 (MANE Select); coding-DNA position 1586, A replaced by C.
Protein change: p.Gln529Pro; replaces glutamine 529 with proline.
Molecular consequence: missense variant. On other transcripts: 3 prime UTR variant (1), non-coding transcript variant (1).
Genome position (GRCh38, 1-based): chr6:83,169,277, T>G on the plus strand (A>C on the coding strand, the complement: PGM3 is on the minus strand). VCF-style: chr6-83169277-T-G. GRCh37 (hg19) VCF-style: chr6-83878996-T-G.
Other names: c.1670A>C, p.Gln557Pro (NM_001199917.2, NM_001367287.1); c.*21A>C (NM_001199918.2); c.1586A>C, p.Gln529Pro (NM_001199919.2); c.1463A>C, p.Gln488Pro (NM_001367286.1); short protein forms Q529P, Q557P, Q488P.
Identifiers: ClinVar variation 834330 (VCV000834330.9), dbSNP rs1786554799, ClinGen allele CA364877659.